The following is an entry in ClinVar:

NM_001110556.2(FLNA):c.3457C>T (p.His1153Tyr)

Gene: FLNA (filamin A; minus strand). Cytogenetic location: Xq28.
Variant type: single nucleotide variant.
Coding change: c.3457C>T on transcript NM_001110556.2 (MANE Select); coding-DNA position 3457, C replaced by T.
Protein change: p.His1153Tyr; replaces histidine 1153 with tyrosine.
Molecular consequence: missense variant.
Genome position (GRCh38, 1-based): chrX:154,360,338, G>A on the plus strand (C>T on the coding strand, the complement: FLNA is on the minus strand). VCF-style: chrX-154360338-G-A. GRCh37 (hg19) VCF-style: chrX-153588706-G-A.
Other names: c.3457C>T, p.His1153Tyr (NM_001456.4); short protein forms H1153Y.
Identifiers: ClinVar variation 4882262 (VCV004882262.2).

ClinVar aggregate classification (germline): Uncertain significance (1 of 4 stars; one submission).

Submission:

Dasa
Classification: Uncertain significance. Last evaluated: 2025-10-30. Review status: criteria provided, single submitter. Criteria: DASA Assertion Criteria. Collection method: clinical testing. Allele origin: germline.
Comment: NM_001110556.2(FLNA):c.3457C>T (p.His1153Tyr) is a missense variant that results in the substitution of histidine with tyrosine. This variant is absent from population databases. The currently available literature and clinical evidence are not sufficient to establish a definitive association between this variant and the reported condition. Therefore, this variant is classified as a variant of uncertain significance.